The following is an entry in ClinVar:

NM_000384.3(APOB):c.11933T>C (p.Ile3978Thr)

Gene: APOB (apolipoprotein B; minus strand). Cytogenetic location: 2p24.1.
Variant type: single nucleotide variant.
Coding change: c.11933T>C on transcript NM_000384.3 (MANE Select); coding-DNA position 11933, T replaced by C.
Protein change: p.Ile3978Thr; replaces isoleucine 3978 with threonine.
Molecular consequence: missense variant.
Genome position (GRCh38, 1-based): chr2:21,004,423, A>G on the plus strand (T>C on the coding strand, the complement: APOB is on the minus strand). VCF-style: chr2-21004423-A-G. GRCh37 (hg19) VCF-style: chr2-21227295-A-G.
Other names: short protein forms I3978T.
Identifiers: ClinVar variation 4613649 (VCV004613649.1).

ClinVar aggregate classification (germline): Uncertain significance (1 of 4 stars; one submission).

Conditions:
Cardiovascular phenotype. Identifiers: MedGen CN230736.

gnomAD v4.1: 2 of 1,613,976 alleles (0.00012%); highest among the groups gnomAD compares: Admixed American, 0.0033%; no homozygotes.

Submission:

Ambry Genetics
Classification: Uncertain significance for Cardiovascular phenotype. Last evaluated: 2025-09-26. Review status: criteria provided, single submitter. Criteria: Ambry Variant Classification Scheme 2023. Collection method: clinical testing. Allele origin: germline.
Comment: The p.I3978T variant (also known as c.11933T>C), located in coding exon 28 of the APOB gene, results from a T to C substitution at nucleotide position 11933. The isoleucine at codon 3978 is replaced by threonine, an amino acid with similar properties. This amino acid position is well conserved in available vertebrate species. In addition, the in silico prediction for this alteration is inconclusive. Based on the available evidence, the clinical significance of this variant remains unclear.